The following is an entry in ClinVar:

ClinVar aggregate classification (germline): Uncertain significance (1 of 4 stars; one submission).

Submission:

Labcorp Genetics (formerly Invitae), Labcorp
Classification: Uncertain significance. Last evaluated: 2024-07-22. Review status: criteria provided, single submitter. Criteria: Invitae Variant Classification Sherloc (09022015). Collection method: clinical testing. Allele origin: germline.
Comment: This variant, c.75_77del, results in the deletion of 1 amino acid(s) of the INTU protein (p.Glu25del), but otherwise preserves the integrity of the reading frame. This variant is present in population databases (rs778819402, gnomAD 0.06%). This variant has not been reported in the literature in individuals affected with INTU-related conditions. Experimental studies and prediction algorithms are not available or were not evaluated, and the functional significance of this variant is currently unknown. In summary, the available evidence is currently insufficient to determine the role of this variant in disease. Therefore, it has been classified as a Variant of Uncertain Significance.

NM_015693.4(INTU):c.69AGA[2] (p.Glu25del)

Gene: INTU (inturned planar cell polarity protein; plus strand). Cytogenetic location: 4q28.1.
Variant type: Microsatellite.
Coding change: c.69AGA[2] on transcript NM_015693.4 (MANE Select); two copies in a row of the 3-base unit AGA starting at c.69; the reference has three copies in a row; one copy, 3 bases deleted.
Protein change: p.Glu25del; deletes glutamic acid 25.
Molecular consequence: inframe deletion.
Genome position (GRCh38, 1-based): chr4:127,633,109-127,633,111, AGA deleted; deleting any 3 consecutive bases within chr4:127,633,102-127,633,111 gives the same sequence; the position shown is the placement nearest the transcript's 3' end. VCF-style (leftmost placement, unchanged base first): chr4-127633101-CAAG-C. GRCh37 (hg19) VCF-style: chr4-128554256-CAAG-C.
Other names: short protein forms E25del.
Identifiers: ClinVar variation 2907596 (VCV002907596.3), dbSNP rs778819402, ClinGen allele CA3074698.